The following is an entry in ClinVar:

NM_000287.4(PEX6):c.994A>G (p.Ser332Gly)

Gene: PEX6 (peroxisomal biogenesis factor 6; minus strand). Cytogenetic location: 6p21.1.
Variant type: single nucleotide variant.
Coding change: c.994A>G on transcript NM_000287.4 (MANE Select); coding-DNA position 994, A replaced by G.
Protein change: p.Ser332Gly; replaces serine 332 with glycine.
Molecular consequence: missense variant. On other transcripts: non-coding transcript variant (1).
Genome position (GRCh38, 1-based): chr6:42,974,927, T>C on the plus strand (A>G on the coding strand, the complement: PEX6 is on the minus strand). VCF-style: chr6-42974927-T-C. GRCh37 (hg19) VCF-style: chr6-42942665-T-C.
Other names: c.994A>G (NM_000287.3); c.730A>G, p.Ser244Gly (NM_001316313.2); short protein forms S332G, S244G.
Identifiers: ClinVar variation 2162762 (VCV002162762.3), dbSNP rs766135390, ClinGen allele CA3811496.

ClinVar aggregate classification (germline): Uncertain significance. Review status: criteria provided, multiple submitters, no conflicts (2 of 4 stars). 2 submissions from 2 submitters: Uncertain significance (2). Last evaluated 2025-08-30.

Conditions:
Peroxisome biogenesis disorder. Identifiers: Orphanet 79189, MedGen C1832200, MONDO:0019234. Disease mechanism: loss of function.
Inborn genetic diseases. Identifiers: MedGen C0950123, MeSH D030342.

Allele frequency attached by ClinVar (database versions not stated): gnomAD exomes below 0.00001; ExAC 0.00002; gnomAD 0.00008; TOPMed 0.00010.

Submissions (2):

Ambry Genetics
Classification: Uncertain significance for Inborn genetic diseases. Last evaluated: 2025-08-30. Review status: criteria provided, single submitter. Criteria: Ambry Variant Classification Scheme 2023. Collection method: clinical testing. Allele origin: germline.

Labcorp Genetics (formerly Invitae), Labcorp
Classification: Uncertain significance for Peroxisome biogenesis disorder. Last evaluated: 2024-12-02. Review status: criteria provided, single submitter. Criteria: Invitae Variant Classification Sherloc (09022015). Collection method: clinical testing. Allele origin: germline.
Comment: This sequence change replaces serine, which is neutral and polar, with glycine, which is neutral and non-polar, at codon 332 of the PEX6 protein (p.Ser332Gly). This variant is present in population databases (rs766135390, gnomAD 0.02%). This variant has not been reported in the literature in individuals affected with PEX6-related conditions. ClinVar contains an entry for this variant (Variation ID: 2162762). Invitae Evidence Modeling of protein sequence and biophysical properties (such as structural, functional, and spatial information, amino acid conservation, physicochemical variation, residue mobility, and thermodynamic stability) has been performed for this missense variant. However, the output from this modeling did not meet the statistical confidence thresholds required to predict the impact of this variant on PEX6 protein function. In summary, the available evidence is currently insufficient to determine the role of this variant in disease. Therefore, it has been classified as a Variant of Uncertain Significance.